The following is an entry in ClinVar:

ClinVar aggregate classification (germline): Uncertain significance (1 of 4 stars; one submission).

Conditions:
Aicardi-Goutieres syndrome 2. Identifiers: Orphanet 51, MedGen C3489724, MONDO:0012429, OMIM 610181.

Allele frequency attached by ClinVar (database versions not stated): gnomAD exomes below 0.00001.
gnomAD v4.1: 1 of 1,603,110 alleles (0.000062%); highest among the groups gnomAD compares: Admixed American, 0.0017%; no homozygotes.

Submission:

Labcorp Genetics (formerly Invitae), Labcorp
Classification: Uncertain significance for Aicardi-Goutieres syndrome 2. Last evaluated: 2022-07-27. Review status: criteria provided, single submitter. Criteria: Invitae Variant Classification Sherloc (09022015). Collection method: clinical testing. Allele origin: germline.
Comment: This sequence change replaces glutamine, which is neutral and polar, with histidine, which is basic and polar, at codon 283 of the RNASEH2B protein (p.Gln283His). The frequency data for this variant in the population databases is considered unreliable, as metrics indicate poor data quality at this position in the gnomAD database. This variant has not been reported in the literature in individuals affected with RNASEH2B-related conditions. Algorithms developed to predict the effect of missense changes on protein structure and function are either unavailable or do not agree on the potential impact of this missense change (SIFT: "Deleterious"; PolyPhen-2: "Probably Damaging"; Align-GVGD: "Class C0"). In summary, the available evidence is currently insufficient to determine the role of this variant in disease. Therefore, it has been classified as a Variant of Uncertain Significance.

NM_024570.4(RNASEH2B):c.849G>C (p.Gln283His)

Gene: RNASEH2B (ribonuclease H2 subunit B; plus strand). Cytogenetic location: 13q14.3.
Variant type: single nucleotide variant.
Coding change: c.849G>C on transcript NM_024570.4 (MANE Select); coding-DNA position 849, G replaced by C.
Protein change: p.Gln283His; replaces glutamine 283 with histidine.
Molecular consequence: missense variant. On other transcripts: intron variant (1).
Genome position (GRCh38, 1-based): chr13:50,956,384, G>C. VCF-style: chr13-50956384-G-C. GRCh37 (hg19) VCF-style: chr13-51530520-G-C.
Other names: c.741+6879G>C (NM_001142279.2); short protein forms Q283H.
Identifiers: ClinVar variation 1713998 (VCV001713998.3), dbSNP rs1245790711, ClinGen allele CA388260325.